The following is an entry in ClinVar:

NC_000016.10:g.(?_176717)_(177411_?)del

Genes: HBA1 (hemoglobin subunit alpha 1; plus strand), LOC106804613 (hemoglobin subunit alpha 1 recombination region; plus strand). Cytogenetic location: 16p13.3.
Variant type: Deletion.
Identifiers: ClinVar variation 665057 (VCV000665057.3).

ClinVar aggregate classification (germline): Pathogenic (1 of 4 stars; one submission).

Submission:

Labcorp Genetics (formerly Invitae), Labcorp
Classification: Pathogenic. Last evaluated: 2022-11-04. Review status: criteria provided, single submitter. Criteria: Invitae Variant Classification Sherloc (09022015). Collection method: clinical testing. Allele origin: germline.
Comment: A gross deletion of the genomic region encompassing the full coding sequence of the HBA1 gene has been identified. Loss-of-function variants in HBA1 are known to be pathogenic (PMID: 12393486, 27199182). Although HBA1 is associated with autosomal recessive disease, a closely related gene called HBA2, when present, can compensate for the loss of HBA1. Disruption of 1 or 2 of the 4 copies of the HBA1 and HBA2 genes is typically associated with no symptoms or very mild symptoms, while disruption of at least 3 of the 4 copies is associated with overt disease (PMID: 19618088, 21381239). Consistent with this, single gene deletions of HBA1 have been observed on the opposite chromosome (in trans) from deletions encompassing both HBA1 and HBA2 in individuals with HbH disease (PMID: 16370493, 1951330, 24826793). Deletions encompassing both HBA1 and HBA2, sometimes along with other nearby genes, have been reported in many individuals affected with alpha-thalassemia and related diseases (PMID: 1520607, 7734346, 12393486, 27492767). For these reasons, this variant has been classified as Pathogenic.

Literature cited by the submitters: PubMed 12393486; PubMed 27199182; PubMed 19618088; PubMed 21381239; PubMed 16370493; PubMed 1951330; PubMed 24826793; PubMed 1520607; PubMed 7734346; PubMed 27492767.